The following is an entry in ClinVar:

ClinVar aggregate classification (germline): Uncertain significance. Review status: criteria provided, multiple submitters, no conflicts (2 of 4 stars). 4 submissions from 3 submitters: Uncertain significance (4). Last evaluated 2024-11-18.

Conditions:
Autosomal recessive nonsyndromic hearing loss 12. Also called: DEAFNESS, AUTOSOMAL RECESSIVE 12. Identifiers: Orphanet 90636, MedGen C1832394, MONDO:0011067, OMIM 601386.
Usher syndrome type 1D (USH1D). Also called: USHER SYNDROME, TYPE ID. Identifiers: Orphanet 231169, Orphanet 886, MedGen C1832845, MONDO:0010984, OMIM 601067.

Allele frequency attached by ClinVar (database versions not stated): gnomAD 0.00004 and 0.00005; TOPMed 0.00004.
gnomAD v4.1: 112 of 1,612,262 alleles (0.0069%); highest among the groups gnomAD compares: South Asian, 0.021%; no homozygotes.

Submissions (4):

Blueprint Genetics
Classification: Uncertain significance. Last evaluated: 2024-11-18. Review status: criteria provided, single submitter. Criteria: ACMG Guidelines, 2015. Collection method: clinical testing. Allele origin: germline.

Labcorp Genetics (formerly Invitae), Labcorp
Classification: Uncertain significance. Last evaluated: 2022-06-22. Review status: criteria provided, single submitter. Criteria: Invitae Variant Classification Sherloc (09022015). Collection method: clinical testing. Allele origin: germline.
Comment: This sequence change replaces arginine, which is basic and polar, with cysteine, which is neutral and slightly polar, at codon 2967 of the CDH23 protein (p.Arg2967Cys). This variant is present in population databases (rs373602652, gnomAD 0.03%). This variant has not been reported in the literature in individuals affected with CDH23-related conditions. ClinVar contains an entry for this variant (Variation ID: 300467). Algorithms developed to predict the effect of missense changes on protein structure and function are either unavailable or do not agree on the potential impact of this missense change (SIFT: "Deleterious"; PolyPhen-2: "Not Available"; Align-GVGD: "Class C0"). In summary, the available evidence is currently insufficient to determine the role of this variant in disease. Therefore, it has been classified as a Variant of Uncertain Significance.

Illumina Laboratory Services, Illumina
Classification: Uncertain significance for Usher syndrome type 1D. Last evaluated: 2018-01-12. Review status: criteria provided, single submitter. Criteria: ICSL Variant Classification Criteria 13 December 2019. Collection method: clinical testing. Allele origin: germline.

Illumina Laboratory Services, Illumina
Classification: Uncertain significance for Autosomal recessive nonsyndromic hearing loss 12. Last evaluated: 2018-01-12. Review status: criteria provided, single submitter. Criteria: ICSL Variant Classification Criteria 13 December 2019. Collection method: clinical testing. Allele origin: germline.

NM_022124.6(CDH23):c.8899C>T (p.Arg2967Cys)

Gene: CDH23 (cadherin related 23; plus strand). Cytogenetic location: 10q22.1.
Variant type: single nucleotide variant.
Coding change: c.8899C>T on transcript NM_022124.6 (MANE Select); coding-DNA position 8899, C replaced by T.
Protein change: p.Arg2967Cys; replaces arginine 2967 with cysteine.
Molecular consequence: missense variant.
Genome position (GRCh38, 1-based): chr10:71,809,996, C>T. VCF-style: chr10-71809996-C-T. GRCh37 (hg19) VCF-style: chr10-73569753-C-T.
Other names: c.2179C>T, p.Arg727Cys (NM_001171933.1, NM_001171934.1); short protein forms R2967C, R727C.
Identifiers: ClinVar variation 300467 (VCV000300467.7), dbSNP rs373602652, ClinGen allele CA5546783.